The following is an entry in ClinVar:

NM_000143.4(FH):c.1461C>G (p.Ile487Met)

Gene: FH (fumarate hydratase; minus strand). Cytogenetic location: 1q43.
Variant type: single nucleotide variant.
Coding change: c.1461C>G on transcript NM_000143.4 (MANE Select); coding-DNA position 1461, C replaced by G.
Protein change: p.Ile487Met; replaces isoleucine 487 with methionine.
Molecular consequence: missense variant.
Genome position (GRCh38, 1-based): chr1:241,497,900, G>C on the plus strand (C>G on the coding strand, the complement: FH is on the minus strand). VCF-style: chr1-241497900-G-C. GRCh37 (hg19) VCF-style: chr1-241661200-G-C.
Other names: short protein forms I487M.
Identifiers: ClinVar variation 4257349 (VCV004257349.1).

ClinVar aggregate classification (germline): Uncertain significance (1 of 4 stars; one submission).

Conditions:
Hereditary cancer-predisposing syndrome. Also called: Hereditary Cancer Syndrome; Hereditary neoplastic syndrome; Neoplastic Syndromes, Hereditary; Tumor predisposition. Identifiers: Orphanet 140162, MedGen C0027672, MeSH D009386, MONDO:0015356.

Submission:

Ambry Genetics
Classification: Uncertain significance for Hereditary cancer-predisposing syndrome. Last evaluated: 2025-08-02. Review status: criteria provided, single submitter. Criteria: Ambry Variant Classification Scheme 2023. Collection method: clinical testing. Allele origin: germline.
Comment: The p.I487M variant (also known as c.1461C>G), located in coding exon 10 of the FH gene, results from a C to G substitution at nucleotide position 1461. The isoleucine at codon 487 is replaced by methionine, an amino acid with highly similar properties. This amino acid position is conserved. In addition, this alteration is predicted to be tolerated by in silico analysis. Based on the available evidence, the clinical significance of this variant remains unclear.